The following is an entry in ClinVar:

NM_000808.4(GABRA3):c.779-12CT[3]

Gene: GABRA3 (gamma-aminobutyric acid type A receptor subunit alpha3; minus strand). Cytogenetic location: Xq28.
Variant type: Microsatellite.
Coding change: c.779-12CT[3] on transcript NM_000808.4 (MANE Select); three copies in a row of the 2-base unit CT starting at c.779-12; the reference has four copies in a row; one copy, 2 bases deleted.
Molecular consequence: intron variant.
Genome position (GRCh38, 1-based): chrX:152,197,790-152,197,791, AG deleted on the plus strand (CT on the coding strand, the reverse complement: GABRA3 is on the minus strand); deleting any 2 consecutive bases within chrX:152,197,790-152,197,797 gives the same sequence; the position shown is the placement nearest the transcript's 3' end. VCF-style (leftmost placement, unchanged base first): chrX-152197789-AAG-A. GRCh37 (hg19) VCF-style: chrX-151366261-AAG-A.
Other names: c.779-6_779-5delCT (NM_000808.3).
Identifiers: ClinVar variation 517942 (VCV000517942.1), dbSNP rs747833880, ClinGen allele CA10543120.

ClinVar aggregate classification (germline): Likely benign (1 of 4 stars; one submission).

Submission:

GeneDx
Classification: Likely benign. Last evaluated: 2017-06-05. Review status: criteria provided, single submitter. Criteria: GeneDx Variant Classification (06012015). Collection method: clinical testing. Allele origin: germline. Affected: yes.
Comment: This variant is considered likely benign or benign based on one or more of the following criteria: it is a conservative change, it occurs at a poorly conserved position in the protein, it is predicted to be benign by multiple in silico algorithms, and/or has population frequency not consistent with disease.